The following is an entry in ClinVar:

NM_001110556.2(FLNA):c.1065G>A (p.Lys355=)

Gene: FLNA (filamin A; minus strand). Cytogenetic location: Xq28.
Variant type: single nucleotide variant.
Coding change: c.1065G>A on transcript NM_001110556.2 (MANE Select); coding-DNA position 1065, G replaced by A.
Protein change: p.Lys355=; no amino-acid change (lysine 355 retained).
Molecular consequence: synonymous variant.
Genome position (GRCh38, 1-based): chrX:154,366,562, C>T on the plus strand (G>A on the coding strand, the complement: FLNA is on the minus strand). VCF-style: chrX-154366562-C-T. GRCh37 (hg19) VCF-style: chrX-153594930-C-T.
Other names: c.1065G>A, p.Lys355= (NM_001456.4).
Identifiers: ClinVar variation 488067 (VCV000488067.7), dbSNP rs1557179325, ClinGen allele CA519709643.

ClinVar aggregate classification (germline): Pathogenic. Review status: criteria provided, single submitter (1 of 4 stars). 2 submissions from 2 submitters: Pathogenic (1). 1 of the submissions does not count toward it. Last evaluated 2022-05-03.

Conditions:
Frontometaphyseal dysplasia (FMD1). Identifiers: Orphanet 1826, MedGen C0265293, MONDO:0015942.
Oto-palato-digital syndrome, type II (OPD2). Also called: OPD II SYNDROME; Otopalatodigital Syndrome, Type II; FACIOPALATOOSSEOUS SYNDROME; Otopalatodigital Syndrome Type 2 (FLNA-OPD2). Identifiers: Orphanet 669, Orphanet 90652, MedGen C1844696, MONDO:0010571, OMIM 304120.
Heterotopia, periventricular, X-linked dominant (PVNH1). Also called: PERIVENTRICULAR NODULAR HETEROTOPIA 1; X-linked periventricular heterotopia; PERIVENTRICULAR NODULAR HETEROTOPIA 4; HETEROTOPIA, PERIVENTRICULAR, 1. Identifiers: Orphanet 2149, Orphanet 82004, MedGen C1848213, MONDO:0010233, OMIM 300049.
Melnick-Needles syndrome (MNS). Also called: OSTEODYSPLASTY OF MELNICK AND NEEDLES; MELNICK-NEEDLES OSTEODYSPLASTY; Melnick-Needles Syndrome (FLNA-MNS). Identifiers: Orphanet 2484, MedGen C0025237, MONDO:0010650, OMIM 309350.

Submissions (3):

Labcorp Genetics (formerly Invitae), Labcorp
Classification: Pathogenic for Oto-palato-digital syndrome, type II; Heterotopia, periventricular, X-linked dominant; Frontometaphyseal dysplasia; Melnick-Needles syndrome. Last evaluated: 2022-05-03. Review status: criteria provided, single submitter. Criteria: Invitae Variant Classification Sherloc (09022015). Collection method: clinical testing. Allele origin: germline.
Comment: For these reasons, this variant has been classified as Pathogenic. Variants that disrupt the consensus splice site are a relatively common cause of aberrant splicing (PMID: 17576681, 9536098). Studies have shown that this variant is associated with altered splicing resulting in reduced level of transcript (PMID: 29024177). ClinVar contains an entry for this variant (Variation ID: 488067). This variant has been observed in individual(s) with FLNA-related conditions (PMID: 29024177). In at least one individual the variant was observed to be de novo. This variant is not present in population databases (gnomAD no frequency). This sequence change affects codon 355 of the FLNA mRNA. It is a 'silent' change, meaning that it does not change the encoded amino acid sequence of the FLNA protein. This variant also falls at the last nucleotide of exon 7, which is part of the consensus splice site for this exon.

Clinical Genetics Group, University of Otago
Classification: Pathogenic for Heterotopia, periventricular, X-linked dominant. Review status: no assertion criteria provided. Collection method: research. Allele origin: de novo. Affected: yes. Observed: 1 variant allele. Not counted in ClinVar's aggregate classification.

Dr. Peter K. Rogan Lab, Western University
No classification provided (evidence only). Condition: Melanoma. Review status: no classification provided. Collection method: in vitro. Allele origin: not applicable. Functional consequence: retained intron. Not counted in ClinVar's aggregate classification.

Literature cited by the submitters: PubMed 17576681 (cited by Labcorp Genetics (formerly Invitae), Labcorp); PubMed 9536098 (cited by Labcorp Genetics (formerly Invitae), Labcorp); PubMed 29024177 (cited by Labcorp Genetics (formerly Invitae), Labcorp and Clinical Genetics Group, University of Otago).